The following is an entry in ClinVar:

NM_022765.4(MICAL1):c.2381C>G (p.Pro794Arg)

Gene: MICAL1 (microtubule associated monooxygenase, calponin and LIM domain containing 1; minus strand). Cytogenetic location: 6q21.
Variant type: single nucleotide variant.
Coding change: c.2381C>G on transcript NM_022765.4 (MANE Select); coding-DNA position 2381, C replaced by G.
Protein change: p.Pro794Arg; replaces proline 794 with arginine.
Molecular consequence: missense variant.
Genome position (GRCh38, 1-based): chr6:109,446,336, G>C on the plus strand (C>G on the coding strand, the complement: MICAL1 is on the minus strand). VCF-style: chr6-109446336-G-C. GRCh37 (hg19) VCF-style: chr6-109767539-G-C.
Other names: c.2123C>G, p.Pro708Arg (NM_001159291.2); c.2438C>G, p.Pro813Arg (NM_001286613.2); short protein forms P708R, P794R, P813R.
Identifiers: ClinVar variation 2421649 (VCV002421649.6), dbSNP rs2482775304, ClinGen allele CA365223831.

ClinVar aggregate classification (germline): Uncertain significance (1 of 4 stars; one submission).

Submission:

Labcorp Genetics (formerly Invitae), Labcorp
Classification: Uncertain significance. Last evaluated: 2022-07-11. Review status: criteria provided, single submitter. Criteria: Invitae Variant Classification Sherloc (09022015). Collection method: clinical testing. Allele origin: germline.
Comment: This sequence change replaces proline, which is neutral and non-polar, with arginine, which is basic and polar, at codon 813 of the MICAL1 protein (p.Pro813Arg). This variant is not present in population databases (gnomAD no frequency). This variant has not been reported in the literature in individuals affected with MICAL1-related conditions. Algorithms developed to predict the effect of missense changes on protein structure and function are either unavailable or do not agree on the potential impact of this missense change (SIFT: "Deleterious"; PolyPhen-2: "Benign"; Align-GVGD: "Class C0"). In summary, the available evidence is currently insufficient to determine the role of this variant in disease. Therefore, it has been classified as a Variant of Uncertain Significance.